The following is an entry in ClinVar:

NM_030957.4(ADAMTS10):c.2116G>A (p.Glu706Lys)

Gene: ADAMTS10 (ADAM metallopeptidase with thrombospondin type 1 motif 10; minus strand). Cytogenetic location: 19p13.2.
Variant type: single nucleotide variant.
Coding change: c.2116G>A on transcript NM_030957.4 (MANE Select); coding-DNA position 2116, G replaced by A.
Protein change: p.Glu706Lys; replaces glutamic acid 706 with lysine.
Molecular consequence: missense variant.
Genome position (GRCh38, 1-based): chr19:8,589,284, C>T on the plus strand (G>A on the coding strand, the complement: ADAMTS10 is on the minus strand). VCF-style: chr19-8589284-C-T. GRCh37 (hg19) VCF-style: chr19-8654168-C-T.
Other names: c.577G>A, p.Glu193Lys (NM_001282352.2); c.2116G>A (NM_030957.3); short protein forms E706K, E193K.
Identifiers: ClinVar variation 1513913 (VCV001513913.6), dbSNP rs782349617, ClinGen allele CA9160221.
Genomic context (GRCh38, chr19:8,589,284, plus strand): 5'-GAAGCTGGAGACTCTCACCGGCCCCAGGTGAGGCTGGGCTGAAGACGCCCTCGATGGTCT[C>T]GCAGGCACTGCCGTCACCGCCACACACTCGGCACTTGTCCTCCCGCAGGTCGGAGCCCAG-3'
Protein context (NP_112219.3, residues 696-716): RVCGGDGSAC[Glu706Lys]TIEGVFSPAS

ClinVar aggregate classification (germline): Uncertain significance. Review status: criteria provided, multiple submitters, no conflicts (2 of 4 stars). 2 submissions from 2 submitters: Uncertain significance (2). Last evaluated 2025-11-10.

Conditions:
ADAMTS10-related disorder. Also called: ADAMTS10-related condition.

Allele frequency attached by ClinVar (database versions not stated): gnomAD 0.00001; TOPMed 0.00002; ExAC 0.00004; gnomAD exomes 0.00004 and 0.00005.
gnomAD v4.1: 54 of 1,612,422 alleles (0.0033%); highest among the groups gnomAD compares: South Asian, 0.02%; no homozygotes.

Submissions (2):

PreventionGenetics, part of Exact Sciences
Classification: Uncertain significance for ADAMTS10-related condition. Last evaluated: 2025-11-10. Review status: criteria provided, single submitter. Criteria: ACMG Guidelines, 2015. Collection method: clinical testing. Allele origin: germline.
Comment: The ADAMTS10 c.2116G>A variant is predicted to result in the amino acid substitution p.Glu706Lys. To our knowledge, this variant has not been reported in the literature. This variant is reported in 0.020% of alleles in individuals of South Asian descent in gnomAD. At this time, the clinical significance of this variant is uncertain due to the absence of conclusive functional and genetic evidence.

Labcorp Genetics (formerly Invitae), Labcorp
Classification: Uncertain significance. Last evaluated: 2024-10-28. Review status: criteria provided, single submitter. Criteria: Invitae Variant Classification Sherloc (09022015). Collection method: clinical testing. Allele origin: germline.
Comment: This sequence change replaces glutamic acid, which is acidic and polar, with lysine, which is basic and polar, at codon 706 of the ADAMTS10 protein (p.Glu706Lys). This variant is present in population databases (rs782349617, gnomAD 0.02%). This variant has not been reported in the literature in individuals affected with ADAMTS10-related conditions. ClinVar contains an entry for this variant (Variation ID: 1513913). An algorithm developed to predict the effect of missense changes on protein structure and function (PolyPhen-2) suggests that this variant is likely to be disruptive. In summary, the available evidence is currently insufficient to determine the role of this variant in disease. Therefore, it has been classified as a Variant of Uncertain Significance.